The following is an entry in ClinVar:

NM_182961.4(SYNE1):c.12573C>T (p.Thr4191=)

Gene: SYNE1 (spectrin repeat containing nuclear envelope protein 1; minus strand). Cytogenetic location: 6q25.2.
Variant type: single nucleotide variant.
Coding change: c.12573C>T on transcript NM_182961.4 (MANE Select); coding-DNA position 12573, C replaced by T.
Protein change: p.Thr4191=; no amino-acid change (threonine 4191 retained).
Molecular consequence: synonymous variant.
Genome position (GRCh38, 1-based): chr6:152,334,229, G>A on the plus strand (C>T on the coding strand, the complement: SYNE1 is on the minus strand). VCF-style: chr6-152334229-G-A. GRCh37 (hg19) VCF-style: chr6-152655364-G-A.
Other names: c.12573C>T (NM_182961.2); c.12360C>T, p.Thr4120= (NM_033071.5).
Identifiers: ClinVar variation 282319 (VCV000282319.14), dbSNP rs143851739, ClinGen allele CA4056356.

ClinVar aggregate classification (germline): Conflicting classifications of pathogenicity. Review status: criteria provided, conflicting classifications (1 of 4 stars). 6 submissions from 5 submitters: Uncertain significance (2); Likely benign (4). Last evaluated 2025-11-23.

Conditions:
Autosomal recessive ataxia, Beauce type. Also called: Spinocerebellar ataxia, autosomal recessive 8; ATAXIA, RECESSIVE, OF BEAUCE; SYNE1-Related Autosomal Recessive Cerebellar Ataxia; SYNE1 Deficiency. Identifiers: Orphanet 88644, MedGen C1853116, MONDO:0012549, OMIM 610743.
Emery-Dreifuss muscular dystrophy 4, autosomal dominant (EDMD4). Also called: EMERY-DREIFUSS MUSCULAR DYSTROPHY 4 WITH VARIABLE FEATURES. Identifiers: Orphanet 261, MedGen C2751807, MONDO:0013071, OMIM 612998.

Allele frequency attached by ClinVar (database versions not stated): gnomAD 0.00003; TOPMed 0.00007; ESP Exome Variant Server 0.00008.
gnomAD v4.1: 103 of 1,613,776 alleles (0.0064%); highest among the groups gnomAD compares: Non-Finnish European, 0.0079%; no homozygotes.

Submissions (6):

Labcorp Genetics (formerly Invitae), Labcorp
Classification: Likely benign for Emery-Dreifuss muscular dystrophy 4, autosomal dominant; Autosomal recessive ataxia, Beauce type. Last evaluated: 2025-11-23. Review status: criteria provided, single submitter. Criteria: Invitae Variant Classification Sherloc (09022015). Collection method: clinical testing. Allele origin: germline.

Athena Diagnostics
Classification: Likely benign. Last evaluated: 2023-10-12. Review status: criteria provided, single submitter. Criteria: Athena Diagnostics Criteria. Collection method: clinical testing. Allele origin: unknown.

Eurofins Ntd Llc (ga)
Classification: Uncertain significance. Last evaluated: 2018-07-30. Review status: criteria provided, single submitter. Criteria: EGL ClinVar v180209 classification definitions. Collection method: clinical testing. Allele origin: germline. Observed: 2 variant alleles, 2 heterozygotes.

Illumina Laboratory Services, Illumina
Classification: Uncertain significance for Autosomal recessive ataxia, Beauce type. Last evaluated: 2018-01-12. Review status: criteria provided, single submitter. Criteria: ICSL Variant Classification Criteria 13 December 2019. Collection method: clinical testing. Allele origin: germline.

Illumina Laboratory Services, Illumina
Classification: Likely benign for Emery-Dreifuss muscular dystrophy 4, autosomal dominant. Last evaluated: 2018-01-12. Review status: criteria provided, single submitter. Criteria: ICSL Variant Classification Criteria 13 December 2019. Collection method: clinical testing. Allele origin: germline.
Comment: This variant was observed in the ICSL laboratory as part of a predisposition screen in an ostensibly healthy population. It had not been previously curated by ICSL or reported in the Human Gene Mutation Database (HGMD: prior to June 1st, 2018), and was therefore a candidate for classification through an automated scoring system. Utilizing variant allele frequency, disease prevalence and penetrance estimates, and inheritance mode, an automated score was calculated to assess if this variant is too frequent to cause the disease. Based on the score and internal cut-off values, a variant classified as likely benign is not then subjected to further curation. The score for this variant resulted in a classification of likely benign for this disease.

GeneDx
Classification: Likely benign. Last evaluated: 2016-11-14. Review status: criteria provided, single submitter. Criteria: GeneDx Variant Classification (06012015). Collection method: clinical testing. Allele origin: germline. Affected: yes.
Comment: This variant is considered likely benign or benign based on one or more of the following criteria: it is a conservative change, it occurs at a poorly conserved position in the protein, it is predicted to be benign by multiple in silico algorithms, and/or has population frequency not consistent with disease.